The following is an entry in ClinVar:

NM_017654.4(SAMD9):c.1264C>T (p.Pro422Ser)

Gene: SAMD9 (sterile alpha motif domain containing 9; minus strand). Cytogenetic location: 7q21.2.
Variant type: single nucleotide variant.
Coding change: c.1264C>T on transcript NM_017654.4 (MANE Select); coding-DNA position 1264, C replaced by T.
Protein change: p.Pro422Ser; replaces proline 422 with serine.
Molecular consequence: missense variant.
Genome position (GRCh38, 1-based): chr7:93,104,834, G>A on the plus strand (C>T on the coding strand, the complement: SAMD9 is on the minus strand). VCF-style: chr7-93104834-G-A. GRCh37 (hg19) VCF-style: chr7-92734147-G-A.
Other names: c.1264C>T, p.Pro422Ser (NM_001193307.2); short protein forms P422S.
Identifiers: ClinVar variation 4159059 (VCV004159059.1).

ClinVar aggregate classification (germline): Uncertain significance (1 of 4 stars; one submission).

Conditions:
Inborn genetic diseases. Identifiers: MedGen C0950123, MeSH D030342.

Submission:

Ambry Genetics
Classification: Uncertain significance for Inborn genetic diseases. Last evaluated: 2025-07-03. Review status: criteria provided, single submitter. Criteria: Ambry Variant Classification Scheme 2023. Collection method: clinical testing. Allele origin: germline.
Comment: The p.P422S variant (also known as c.1264C>T), located in coding exon 1 of the SAMD9 gene, results from a C to T substitution at nucleotide position 1264. The proline at codon 422 is replaced by serine, an amino acid with similar properties. This amino acid position is conserved. In addition, this alteration is predicted to be tolerated by in silico analysis. Based on the available evidence, the clinical significance of this variant remains unclear.